The following is an entry in ClinVar:

ClinVar aggregate classification (germline): Uncertain significance. Review status: criteria provided, multiple submitters, no conflicts (2 of 4 stars). 2 submissions from 2 submitters: Uncertain significance (2). Last evaluated 2022-05-28.

Conditions:
Retinitis pigmentosa 59 (RP59). Identifiers: Orphanet 791, MedGen C3151227, MONDO:0013468, OMIM 613861.

Allele frequency attached by ClinVar (database versions not stated): gnomAD exomes below 0.00001; TOPMed 0.00002.
gnomAD v4.1: 2 of 1,613,890 alleles (0.00012%); highest among the groups gnomAD compares: Admixed American, 0.0033%; no homozygotes.

Submissions (2):

Labcorp Genetics (formerly Invitae), Labcorp
Classification: Uncertain significance for Retinitis pigmentosa 59. Last evaluated: 2022-05-28. Review status: criteria provided, single submitter. Criteria: Invitae Variant Classification Sherloc (09022015). Collection method: clinical testing. Allele origin: germline.
Comment: This sequence change replaces proline, which is neutral and non-polar, with serine, which is neutral and polar, at codon 198 of the DHDDS protein (p.Pro198Ser). This variant is present in population databases (no rsID available, gnomAD 0.003%). This variant has not been reported in the literature in individuals affected with DHDDS-related conditions. ClinVar contains an entry for this variant (Variation ID: 596489). Algorithms developed to predict the effect of missense changes on protein structure and function (SIFT, PolyPhen-2, Align-GVGD) all suggest that this variant is likely to be tolerated. In summary, the available evidence is currently insufficient to determine the role of this variant in disease. Therefore, it has been classified as a Variant of Uncertain Significance.

Eurofins Ntd Llc (ga)
Classification: Uncertain significance. Last evaluated: 2018-04-03. Review status: criteria provided, single submitter. Criteria: EGL ClinVar v180209 classification definitions. Collection method: clinical testing. Allele origin: germline. Observed: 1 variant allele, 1 heterozygote.

NM_205861.3(DHDDS):c.592C>T (p.Pro198Ser)

Gene: DHDDS (dehydrodolichyl diphosphate synthase subunit; plus strand). Cytogenetic location: 1p36.11.
Variant type: single nucleotide variant.
Coding change: c.592C>T on transcript NM_205861.3 (MANE Select); coding-DNA position 592, C replaced by T.
Protein change: p.Pro198Ser; replaces proline 198 with serine.
Molecular consequence: missense variant.
Genome position (GRCh38, 1-based): chr1:26,457,840, C>T. VCF-style: chr1-26457840-C-T. GRCh37 (hg19) VCF-style: chr1-26784331-C-T.
Other names: c.490C>T, p.Pro164Ser (NM_001243564.2); c.475C>T, p.Pro159Ser (NM_001243565.2); c.313C>T, p.Pro105Ser (NM_001319959.2); c.592C>T, p.Pro198Ser (NM_024887.4); short protein forms P198S, P105S, P159S, P164S.
Identifiers: ClinVar variation 596489 (VCV000596489.9), dbSNP rs1288778858, ClinGen allele CA339144685.